The following is an entry in ClinVar:

ClinVar aggregate classification (germline): Uncertain significance (1 of 4 stars; one submission).

Allele frequency attached by ClinVar (database versions not stated): gnomAD exomes below 0.00001; TOPMed 0.00002.
gnomAD v4.1: 4 of 1,610,994 alleles (0.00025%); highest among the groups gnomAD compares: Admixed American, 0.005%; no homozygotes.

Submission:

Labcorp Genetics (formerly Invitae), Labcorp
Classification: Uncertain significance. Last evaluated: 2024-10-29. Review status: criteria provided, single submitter. Criteria: Invitae Variant Classification Sherloc (09022015). Collection method: clinical testing. Allele origin: germline.
Comment: This sequence change replaces tyrosine, which is neutral and polar, with asparagine, which is neutral and polar, at codon 308 of the SLC10A2 protein (p.Tyr308Asn). This variant is present in population databases (no rsID available, gnomAD 0.009%). This variant has not been reported in the literature in individuals affected with SLC10A2-related conditions. ClinVar contains an entry for this variant (Variation ID: 2187380). An algorithm developed to predict the effect of missense changes on protein structure and function (PolyPhen-2) suggests that this variant is likely to be disruptive. In summary, the available evidence is currently insufficient to determine the role of this variant in disease. Therefore, it has been classified as a Variant of Uncertain Significance.

NM_000452.3(SLC10A2):c.922T>A (p.Tyr308Asn)

Gene: SLC10A2 (solute carrier family 10 member 2; minus strand). Cytogenetic location: 13q33.1.
Variant type: single nucleotide variant.
Coding change: c.922T>A on transcript NM_000452.3 (MANE Select); coding-DNA position 922, T replaced by A.
Protein change: p.Tyr308Asn; replaces tyrosine 308 with asparagine.
Molecular consequence: missense variant.
Genome position (GRCh38, 1-based): chr13:103,046,258, A>T on the plus strand (T>A on the coding strand, the complement: SLC10A2 is on the minus strand). VCF-style: chr13-103046258-A-T. GRCh37 (hg19) VCF-style: chr13-103698608-A-T.
Other names: short protein forms Y308N.
Identifiers: ClinVar variation 2187380 (VCV002187380.4), dbSNP rs1417571642, ClinGen allele CA388605403.